The following is an entry in ClinVar:

ClinVar aggregate classification (germline): Uncertain significance (1 of 4 stars; one submission).

Submission:

Labcorp Genetics (formerly Invitae), Labcorp
Classification: Uncertain significance. Last evaluated: 2025-11-27. Review status: criteria provided, single submitter. Criteria: Invitae Variant Classification Sherloc (09022015). Collection method: clinical testing. Allele origin: germline.
Comment: This sequence change replaces methionine, which is neutral and non-polar, with lysine, which is basic and polar, at codon 169 of the HNF4A protein (p.Met169Lys). This variant is not present in population databases (gnomAD no frequency). This variant has not been reported in the literature in individuals affected with HNF4A-related conditions. Invitae Evidence Modeling of protein sequence and biophysical properties (such as structural, functional, and spatial information, amino acid conservation, physicochemical variation, residue mobility, and thermodynamic stability) has been performed for this missense variant. However, the output from this modeling did not meet the statistical confidence thresholds required to predict the impact of this variant on HNF4A protein function. In summary, the available evidence is currently insufficient to determine the role of this variant in disease. Therefore, it has been classified as a Variant of Uncertain Significance.

NM_175914.5(HNF4A):c.506T>A (p.Met169Lys)

Gene: HNF4A (hepatocyte nuclear factor 4 alpha; plus strand). Cytogenetic location: 20q13.12.
Variant type: single nucleotide variant.
Coding change: c.506T>A on transcript NM_175914.5 (MANE Select); coding-DNA position 506, T replaced by A.
Protein change: p.Met169Lys; replaces methionine 169 with lysine.
Molecular consequence: missense variant.
Genome position (GRCh38, 1-based): chr20:44,414,586, T>A. VCF-style: chr20-44414586-T-A. GRCh37 (hg19) VCF-style: chr20-43043226-T-A.
Other names: c.572T>A, p.Met191Lys (NM_000457.6, NM_178849.3, NM_178850.3); c.506T>A, p.Met169Lys (NM_001030003.3, NM_001030004.3); c.551T>A, p.Met184Lys (NM_001258355.2); c.497T>A, p.Met166Lys (NM_001287182.2, NM_001287183.2, NM_001287184.2); short protein forms M184K, M166K, M191K, M169K.
Identifiers: ClinVar variation 4721577 (VCV004721577.1).